The following is an entry in ClinVar:

ClinVar aggregate classification (germline): Pathogenic (1 of 4 stars; one submission).

Submission:

CeGaT Center for Human Genetics Tuebingen
Classification: Pathogenic. Last evaluated: 2023-10-01. Review status: criteria provided, single submitter. Criteria: CeGaT Center For Human Genetics Tuebingen Variant Classification Criteria Version 2. Collection method: clinical testing. Allele origin: germline. Affected: yes. Observed: 1 variant allele.
Comment: DOCK7: PVS1, PM2

NM_001367561.1(DOCK7):c.5049del (p.Pro1684fs)

Gene: DOCK7 (dedicator of cytokinesis 7; minus strand). Cytogenetic location: 1p31.3.
Variant type: Deletion.
Coding change: c.5049del on transcript NM_001367561.1 (MANE Select); coding-DNA position 5049, one base deleted (T; older notation c.5049delT).
Protein change: p.Pro1684fs; shifts the reading frame from proline 1684.
Molecular consequence: frameshift variant.
Genome position (GRCh38, 1-based): chr1:62,494,443, A deleted on the plus strand (T on the coding strand, the reverse complement: DOCK7 is on the minus strand). VCF-style (leftmost placement, unchanged base first): chr1-62494442-GA-G. GRCh37 (hg19) VCF-style: chr1-62960113-GA-G.
Other names: c.5022del, p.Pro1675fs (NM_001271999.2, NM_001330614.2); c.4929del, p.Pro1644fs (NM_001272000.2, NM_001272001.2); c.4956del, p.Pro1653fs (NM_033407.4); short protein forms P1644fs, P1675fs, P1653fs, P1684fs.
Identifiers: ClinVar variation 424899 (VCV000424899.43), dbSNP rs1064797112, ClinGen allele CA16621566.